The following is an entry in ClinVar:

ClinVar aggregate classification (germline): Uncertain significance (1 of 4 stars; one submission).

Conditions:
Developmental and epileptic encephalopathy, 9 (DEE9). Also called: Early infantile epileptic encephalopathy 9; PCDH19-Related X-Linked Female-Limited Epilepsy with Mental Retardation; EPILEPSY, FEMALE-RESTRICTED, WITH MENTAL RETARDATION; JUBERG-HELLMAN SYNDROME. Identifiers: Orphanet 101039, Orphanet 2076, MedGen C1848137, MONDO:0010246, OMIM 300088. Disease mechanism: loss of function.

Allele frequency attached by ClinVar (database versions not stated): TOPMed below 0.00001; gnomAD exomes 0.00001.

Submission:

Labcorp Genetics (formerly Invitae), Labcorp
Classification: Uncertain significance for Developmental and epileptic encephalopathy, 9. Last evaluated: 2025-07-24. Review status: criteria provided, single submitter. Criteria: Invitae Variant Classification Sherloc (09022015). Collection method: clinical testing. Allele origin: germline.
Comment: This sequence change falls in intron 3 of the PCDH19 gene. It does not directly change the encoded amino acid sequence of the PCDH19 protein. It affects a nucleotide within the consensus splice site. This variant is present in population databases (no rsID available, gnomAD 0.02%). This variant has not been reported in the literature in individuals affected with PCDH19-related conditions. ClinVar contains an entry for this variant (Variation ID: 1002082). Variants that disrupt the consensus splice site are a relatively common cause of aberrant splicing (PMID: 17576681, 9536098). Algorithms developed to predict the effect of sequence changes on RNA splicing suggest that this variant is not likely to affect RNA splicing. In summary, the available evidence is currently insufficient to determine the role of this variant in disease. Therefore, it has been classified as a Variant of Uncertain Significance.

Literature cited by the submitters: PubMed 17576681; PubMed 9536098.

NM_001184880.2(PCDH19):c.2616+3G>A

Genes: PCDH19 (protocadherin 19; minus strand), LOC125467768 (CDK7 strongly-dependent group 2 enhancer GRCh37_chrX:99657381-99658580; plus strand). Cytogenetic location: Xq22.1.
Variant type: single nucleotide variant.
Coding change: c.2616+3G>A on transcript NM_001184880.2 (MANE Select); 3 bases into the intron after coding-DNA position 2616, G replaced by A.
Molecular consequence: intron variant.
Genome position (GRCh38, 1-based): chrX:100,402,521, C>T on the plus strand (G>A on the coding strand, the complement: PCDH19 is on the minus strand). VCF-style: chrX-100402521-C-T. GRCh37 (hg19) VCF-style: chrX-99657519-C-T.
Other names: c.2475+3G>A (NM_020766.3, NM_001105243.2).
Identifiers: ClinVar variation 1002082 (VCV001002082.11), dbSNP rs1276499316, ClinGen allele CA643516790.
Genomic context (GRCh38, chrX:100,402,521, plus strand): 5'-TCCAGCGAGCAGCTAAAGAAGGAGACCTGGGAGAACCTCACAGAGCCACTTAGCTGCACT[C>T]ACCTCAGGCAGAGGCACACCGTTGATAATCAGGTCAGGCTGCTGGGGCCCCTGGCTGTTG-3'